The following is an entry in ClinVar:

ClinVar aggregate classification (germline): Uncertain significance. Review status: criteria provided, multiple submitters, no conflicts (2 of 4 stars). 2 submissions from 2 submitters: Uncertain significance (2). Last evaluated 2024-11-18.

Conditions:
Deficiency of 2-methylbutyryl-CoA dehydrogenase (ACADSB). Also called: 2-methylbutyrylglycinuria; 2-methylbutyryl-CoA dehydrogenase deficiency; SBCAD deficiency; 2-methylbutyric aciduria; Short branched-chain acyl-CoA dehydrogenase deficiency. Identifiers: Orphanet 79157, MedGen C1864912, MONDO:0012392, OMIM 610006, HP:0020147.

Allele frequency attached by ClinVar (database versions not stated): gnomAD exomes 0.00003 and 0.00005; ExAC 0.00007.
gnomAD v4.1: 46 of 1,613,686 alleles (0.0029%); highest among the groups gnomAD compares: South Asian, 0.031%; no homozygotes.

Submissions (2):

Blueprint Genetics
Classification: Uncertain significance. Last evaluated: 2024-11-18. Review status: criteria provided, single submitter. Criteria: ACMG Guidelines, 2015. Collection method: clinical testing. Allele origin: germline.

Labcorp Genetics (formerly Invitae), Labcorp
Classification: Uncertain significance for Deficiency of 2-methylbutyryl-CoA dehydrogenase. Last evaluated: 2018-08-23. Review status: criteria provided, single submitter. Criteria: Invitae Variant Classification Sherloc (09022015). Collection method: clinical testing. Allele origin: germline.
Comment: This sequence change replaces threonine with methionine at codon 382 of the ACADSB protein (p.Thr382Met). The threonine residue is moderately conserved and there is a moderate physicochemical difference between threonine and methionine. This variant is present in population databases (rs772084235, ExAC 0.04%). This variant has not been reported in the literature in individuals with ACADSB-related disease. Algorithms developed to predict the effect of missense changes on protein structure and function are either unavailable or do not agree on the potential impact of this missense change (SIFT: "Deleterious"; PolyPhen-2: "Probably Damaging"; Align-GVGD: "Class C0"). In summary, the available evidence is currently insufficient to determine the role of this variant in disease. Therefore, it has been classified as a Variant of Uncertain Significance.

NM_001609.4(ACADSB):c.1145C>T (p.Thr382Met)

Gene: ACADSB (acyl-CoA dehydrogenase short/branched chain; plus strand). Cytogenetic location: 10q26.13.
Variant type: single nucleotide variant.
Coding change: c.1145C>T on transcript NM_001609.4 (MANE Select); coding-DNA position 1145, C replaced by T.
Protein change: p.Thr382Met; replaces threonine 382 with methionine.
Molecular consequence: missense variant.
Genome position (GRCh38, 1-based): chr10:123,053,077, C>T. VCF-style: chr10-123053077-C-T. GRCh37 (hg19) VCF-style: chr10-124812593-C-T.
Other names: c.839C>T, p.Thr280Met (NM_001330174.3); short protein forms T382M, T280M.
Identifiers: ClinVar variation 660411 (VCV000660411.2), dbSNP rs772084235, ClinGen allele CA5730943.